The following is an entry in ClinVar:

NM_000512.5(GALNS):c.338T>C (p.Ile113Thr)

Gene: GALNS (galactosamine (N-acetyl)-6-sulfatase; minus strand). Cytogenetic location: 16q24.3.
Variant type: single nucleotide variant.
Coding change: c.338T>C on transcript NM_000512.5 (MANE Select); coding-DNA position 338, T replaced by C.
Protein change: p.Ile113Thr; replaces isoleucine 113 with threonine.
Molecular consequence: missense variant. On other transcripts: 5 prime UTR variant (1).
Genome position (GRCh38, 1-based): chr16:88,841,076, A>G on the plus strand (T>C on the coding strand, the complement: GALNS is on the minus strand). VCF-style: chr16-88841076-A-G. GRCh37 (hg19) VCF-style: chr16-88907484-A-G.
Other names: c.-218T>C (NM_001323543.2); c.356T>C, p.Ile119Thr (NM_001323544.2); short protein forms I113T, I119T.
Identifiers: ClinVar variation 1515475 (VCV001515475.8), dbSNP rs979373729, ClinGen allele CA286406073.
Genomic context (GRCh38, chr16:88,841,076, plus strand): 5'-TAGCCGGCCTTCTTCAGAAGCTCCGGCAGGAGCTGCTCCGAGTCTGGGATGCCGCCCACA[A>G]TCTCCTGCGGTGTGTAGGCTGGAAGAGCAGCGCTGGGTGAGCCCCGAGGAGACCCCGAGA-3'
Protein context (NP_000503.1, residues 103-123): HARNAYTPQE[Ile113Thr]VGGIPDSEQL

ClinVar aggregate classification (germline): Likely pathogenic (1 of 4 stars; one submission).

Conditions:
Mucopolysaccharidosis, MPS-IV-A (MPS4A). Also called: mucopolysaccharidosis type 4A; Morquio syndrome A, mild; MORQUIO SYNDROME A; GALACTOSAMINE-6-SULFATASE DEFICIENCY; GALNS DEFICIENCY; MORQUIO A DISEASE. Identifiers: Orphanet 309297, Orphanet 582, MedGen C0086651, MONDO:0009659, OMIM 253000.

Allele frequency attached by ClinVar (database versions not stated): gnomAD exomes below 0.00001; gnomAD 0.00001; TOPMed 0.00001.
gnomAD v4.1: 4 of 1,612,826 alleles (0.00025%); highest among the groups gnomAD compares: Non-Finnish European, 0.00034%; no homozygotes.

Submission:

Labcorp Genetics (formerly Invitae), Labcorp
Classification: Likely pathogenic for Mucopolysaccharidosis, MPS-IV-A. Last evaluated: 2024-10-22. Review status: criteria provided, single submitter. Criteria: Invitae Variant Classification Sherloc (09022015). Collection method: clinical testing. Allele origin: germline.
Comment: This sequence change replaces isoleucine, which is neutral and non-polar, with threonine, which is neutral and polar, at codon 113 of the GALNS protein (p.Ile113Thr). This variant is not present in population databases (gnomAD no frequency). This variant has not been reported in the literature in individuals affected with GALNS-related conditions. ClinVar contains an entry for this variant (Variation ID: 1515475). Invitae Evidence Modeling of protein sequence and biophysical properties (such as structural, functional, and spatial information, amino acid conservation, physicochemical variation, residue mobility, and thermodynamic stability) indicates that this missense variant is expected to disrupt GALNS protein function with a positive predictive value of 95%. This variant disrupts the p.Ile113 amino acid residue in GALNS. Other variant(s) that disrupt this residue have been determined to be pathogenic (PMID: 7668283, 25137622; internal data). This suggests that this residue is clinically significant, and that variants that disrupt this residue are likely to be disease-causing. In summary, the currently available evidence indicates that the variant is pathogenic, but additional data are needed to prove that conclusively. Therefore, this variant has been classified as Likely Pathogenic.

Literature cited by the submitters: PubMed 7668283; PubMed 25137622.